The following is an entry in ClinVar:

NM_198578.4(LRRK2):c.6355C>T (p.Pro2119Ser)

Gene: LRRK2 (leucine rich repeat kinase 2; plus strand). Cytogenetic location: 12q12.
Variant type: single nucleotide variant.
Coding change: c.6355C>T on transcript NM_198578.4 (MANE Select); coding-DNA position 6355, C replaced by T.
Protein change: p.Pro2119Ser; replaces proline 2119 with serine.
Molecular consequence: missense variant.
Genome position (GRCh38, 1-based): chr12:40,348,483, C>T. VCF-style: chr12-40348483-C-T. GRCh37 (hg19) VCF-style: chr12-40742285-C-T.
Other names: short protein forms P2119S.
Identifiers: ClinVar variation 2453082 (VCV002453082.2), dbSNP rs2499972767, ClinGen allele CA384406226.

ClinVar aggregate classification (germline): Uncertain significance (1 of 4 stars; one submission).

Conditions:
Inborn genetic diseases. Identifiers: MedGen C0950123, MeSH D030342.

Submission:

Ambry Genetics
Classification: Uncertain significance for Inborn genetic diseases. Last evaluated: 2023-01-15. Review status: criteria provided, single submitter. Criteria: Ambry Variant Classification Scheme 2023. Collection method: clinical testing. Allele origin: germline.
Comment: The p.P2119S variant (also known as c.6355C>T), located in coding exon 43 of the LRRK2 gene, results from a C to T substitution at nucleotide position 6355. The proline at codon 2119 is replaced by serine, an amino acid with similar properties. This amino acid position is conserved. In addition, this alteration is predicted to be deleterious by in silico analysis. Since supporting evidence is limited at this time, the clinical significance of this alteration remains unclear.